The following is an entry in ClinVar:

ClinVar aggregate classification (germline): Uncertain significance (1 of 4 stars; one submission).

Conditions:
Dyskeratosis congenita, autosomal recessive 5 (DKCB5). Identifiers: MedGen C3554656, MONDO:0014076, OMIM 615190.
Pulmonary fibrosis and/or bone marrow failure, Telomere-related, 3. Also called: PULMONARY FIBROSIS AND/OR BONE MARROW FAILURE SYNDROME, TELOMERE-RELATED, 3. Identifiers: Orphanet 2032, MedGen C4225346, MONDO:0014613, OMIM 616373.

Submission:

Labcorp Genetics (formerly Invitae), Labcorp
Classification: Uncertain significance for Dyskeratosis congenita, autosomal recessive 5; Pulmonary fibrosis and/or bone marrow failure, Telomere-related, 3. Last evaluated: 2022-06-22. Review status: criteria provided, single submitter. Criteria: Invitae Variant Classification Sherloc (09022015). Collection method: clinical testing. Allele origin: germline.
Comment: Algorithms developed to predict the effect of sequence changes on RNA splicing suggest that this variant may create or strengthen a splice site. In summary, the available evidence is currently insufficient to determine the role of this variant in disease. Therefore, it has been classified as a Variant of Uncertain Significance. Algorithms developed to predict the effect of missense changes on protein structure and function (SIFT, PolyPhen-2, Align-GVGD) all suggest that this variant is likely to be tolerated. This variant has not been reported in the literature in individuals affected with RTEL1-related conditions. This variant is not present in population databases (gnomAD no frequency). This sequence change replaces threonine, which is neutral and polar, with serine, which is neutral and polar, at codon 916 of the RTEL1 protein (p.Thr916Ser).

NM_001283009.2(RTEL1):c.2746A>T (p.Thr916Ser)

Genes: RTEL1 (regulator of telomere elongation helicase 1; plus strand), RTEL1-TNFRSF6B (RTEL1-TNFRSF6B readthrough (NMD candidate); plus strand). Cytogenetic location: 20q13.33.
Variant type: single nucleotide variant.
Coding change: c.2746A>T on transcript NM_001283009.2 (MANE Select); coding-DNA position 2746, A replaced by T.
Protein change: p.Thr916Ser; replaces threonine 916 with serine.
Molecular consequence: missense variant. On other transcripts: non-coding transcript variant (1).
Genome position (GRCh38, 1-based): chr20:63,692,898, A>T. VCF-style: chr20-63692898-A-T. GRCh37 (hg19) VCF-style: chr20-62324251-A-T.
Other names: c.2077A>T, p.Thr693Ser (NM_001283010.1); c.2746A>T, p.Thr916Ser (NM_016434.4); c.2818A>T, p.Thr940Ser (NM_032957.5); short protein forms T693S, T916S, T940S.
Identifiers: ClinVar variation 2009137 (VCV002009137.4), dbSNP rs1342884806, ClinGen allele CA409682959.